The following is an entry in ClinVar:

ClinVar aggregate classification (germline): Pathogenic. Review status: reviewed by expert panel (3 of 4 stars). 2 submissions from 2 submitters: Pathogenic (1). 1 of the submissions does not count toward it. Last evaluated 2016-10-18.

Conditions:
Breast-ovarian cancer, familial, susceptibility to, 2 (BROVCA2). Also called: BRCA2 Hereditary Breast and Ovarian Cancer. Identifiers: Orphanet 145, MedGen C2675520, MONDO:0012933, OMIM 612555. Disease mechanism: loss of function.

Submissions (2):

Evidence-based Network for the Interpretation of Germline Mutant Alleles (ENIGMA)
Classification: Pathogenic for Breast-ovarian cancer, familial, susceptibility to, 2. Last evaluated: 2016-10-18. Review status: reviewed by expert panel. Criteria: ENIGMA BRCA1/2 Classification Criteria (2015). Collection method: curation. Allele origin: germline.
Comment: Variant allele predicted to encode a truncated non-functional protein.

Consortium of Investigators of Modifiers of BRCA1/2 (CIMBA), c/o University of Cambridge
Classification: Pathogenic for Breast-ovarian cancer, familial, susceptibility to, 2. Last evaluated: 2015-10-02. Review status: criteria provided, single submitter. Criteria: CIMBA Mutation Classification guidelines May 2016. Collection method: clinical testing. Allele origin: germline. Not counted in ClinVar's aggregate classification.

NM_000059.4(BRCA2):c.7006del (p.Arg2336fs)

Gene: BRCA2 (BRCA2 DNA repair associated; plus strand). Cytogenetic location: 13q13.1.
Variant type: Deletion.
Coding change: c.7006del on transcript NM_000059.4 (MANE Select); coding-DNA position 7006, one base deleted (C; older notation c.7006delC).
Protein change: p.Arg2336fs; shifts the reading frame from arginine 2336.
Molecular consequence: frameshift variant.
Genome position (GRCh38, 1-based): chr13:32,346,895, C deleted. VCF-style (leftmost placement, unchanged base first): chr13-32346894-TC-T. GRCh37 (hg19) VCF-style: chr13-32921031-TC-T.
Other names: 7234delC; short protein forms R2336fs.
Identifiers: ClinVar variation 266980 (VCV000266980.7), dbSNP rs886040682, ClinGen allele CA10589407.